The following is an entry in ClinVar:

ClinVar aggregate classification (germline): Pathogenic (1 of 4 stars; one submission).

Conditions:
Neurofibromatosis, type 1 (NF1). Also called: NEUROFIBROMATOSIS, TYPE I, SOMATIC; Neurofibromatosis, type I; Peripheral type neurofibromatosis; VON RECKLINGHAUSEN DISEASE. Identifiers: Orphanet 636, MedGen C0027831, MONDO:0018975, OMIM 162200. Disease mechanism: loss of function.

Submission:

Labcorp Genetics (formerly Invitae), Labcorp
Classification: Pathogenic for Neurofibromatosis, type 1. Last evaluated: 2022-07-31. Review status: criteria provided, single submitter. Criteria: Invitae Variant Classification Sherloc (09022015). Collection method: clinical testing. Allele origin: germline.
Comment: For these reasons, this variant has been classified as Pathogenic. This variant has not been reported in the literature in individuals affected with NF1-related conditions. This variant is not present in population databases (gnomAD no frequency). This sequence change creates a premature translational stop signal (p.Thr1577Metfs*23) in the NF1 gene. It is expected to result in an absent or disrupted protein product. Loss-of-function variants in NF1 are known to be pathogenic (PMID: 10712197, 23913538).

Literature cited by the submitters: PubMed 10712197; PubMed 23913538.

NM_001042492.3(NF1):c.4793_4802del (p.Thr1598fs)

Gene: NF1 (neurofibromin 1; plus strand). Cytogenetic location: 17q11.2.
Variant type: Deletion.
Coding change: c.4793_4802del on transcript NM_001042492.3 (MANE Select); coding-DNA positions 4793 to 4802, 10 bases deleted (CTTCCAAAGC; older notation c.4793_4802delCTTCCAAAGC).
Protein change: p.Thr1598fs; shifts the reading frame from threonine 1598.
Molecular consequence: frameshift variant.
Genome position (GRCh38, 1-based): chr17:31,265,297-31,265,306, CTTCCAAAGC deleted. VCF-style (leftmost placement, unchanged base first): chr17-31265296-ACTTCCAAAGC-A. GRCh37 (hg19) VCF-style: chr17-29592314-ACTTCCAAAGC-A.
Other names: c.4730_4739delCTTCCAAAGC, p.Thr1577Metfs (NM_000267.4); short protein forms T1598fs, T1577fs.
Identifiers: ClinVar variation 2020826 (VCV002020826.4), dbSNP rs2508445477, ClinGen allele CA2580093354.
Genomic context (GRCh38, chr17:31,265,296, plus strand): 5'-GTACATGAAAAAGAAGAATTCAAGGCTTTGAAAACGTTAAGTATTTTCTACCAAGCTGGG[ACTTCCAAAGC>A]TGGGAATCCTATTTTTTATTATGTTGCACGGAGGTAAGAAATACTATGTTTTGGGTCTCT-3'